The following continues an entry in ClinVar:

NM_201631.4(TGM5):c.337G>T (p.Gly113Cys)

Gene: TGM5. ClinVar aggregate classification (germline): Pathogenic/Likely pathogenic. Pathogenic (20); Likely pathogenic (1).

Submissions 13 to 24 of 24:

Victorian Clinical Genetics Services, Murdoch Childrens Research Institute
Classification: Pathogenic for Acral peeling skin syndrome. Last evaluated: 2023-07-17. Review status: criteria provided, single submitter. Criteria: ACMG Guidelines, 2015. Collection method: clinical testing. Allele origin: germline. Inheritance: Autosomal recessive inheritance. Affected: yes.
Comment: Based on the classification scheme VCGS_Germline_v1.3.4, this variant is classified as Pathogenic. Following criteria are met: 0102 - Loss-of-function is a known mechanism of disease for this gene and is associated with peeling skin syndrome 2 (MIM#609796). (I) 0106 - This gene is known to be associated with autosomal recessive disease. (I) 0200 - Variant is predicted to result in a missense amino acid change from glycine to cysteine. (I) 0251 - This variant is heterozygous. (I) 0304 - Variant is present in gnomAD (v2) <0.01 for a recessive condition (657 heterozygotes, 2 homozygotes). (SP) 0501 - Missense variant consistently predicted to be damaging by multiple in silico tools or highly conserved with a major amino acid change. (SP) 0600 - Variant is located in the annotated N-terminal transglutaminase domain (NCBI). (I) 0705 - No comparable variants have previous evidence for pathogenicity. (I) 0801 - This variant has strong previous evidence of pathogenicity in unrelated individuals. This variant has been reported as homozygous and compound heterozygous in individuals with peeling skin syndrome (ClinVar, PMID: 29242947). (SP) 1002 - Moderate functional evidence supporting abnormal protein function. Transfected cell lines displayed complete loss of enzyme activity (PMID: 16380904). (SP) 1208 - Inheritance information for this variant is not currently available. (I) Legend: (SP) - Supporting pathogenic, (I) - Information, (SB) - Supporting benign

Clinical Genetics Laboratory, Skane University Hospital Lund
Classification: Pathogenic. Last evaluated: 2023-06-22. Review status: criteria provided, single submitter. Criteria: ACMG Guidelines, 2015. Collection method: clinical testing. Allele origin: germline. Affected: yes.

Institute for Clinical Genetics, University Hospital TU Dresden, University Hospital TU Dresden
Classification: Pathogenic. Last evaluated: 2022-10-17. Review status: criteria provided, single submitter. Criteria: ACMG Guidelines, 2015. Collection method: clinical testing. Allele origin: germline.
Comment: PM3, PS3, PP4, PP3, PS4

Mendelics
Classification: Pathogenic for Acral peeling skin syndrome. Last evaluated: 2022-05-04. Review status: criteria provided, single submitter. Criteria: Mendelics Assertion Criteria 2019. Collection method: clinical testing. Allele origin: germline.

Greenwood Genetic Center Diagnostic Laboratories, Greenwood Genetic Center
Classification: Pathogenic for Acral peeling skin syndrome. Last evaluated: 2021-11-01. Review status: criteria provided, single submitter. Criteria: ACMG Guidelines, 2015. Collection method: clinical testing. Allele origin: germline. Affected: yes.
Comment: PM3_strong, PS3, PP1, PP3

Revvity Omics, Revvity
Classification: Pathogenic for Acral peeling skin syndrome. Last evaluated: 2021-10-07. Review status: criteria provided, single submitter. Criteria: ACMG Guidelines, 2015. Collection method: clinical testing. Allele origin: germline.

GeneDx
Classification: Pathogenic. Last evaluated: 2021-03-08. Review status: criteria provided, single submitter. Criteria: GeneDx Variant Classification Process June 2021. Collection method: clinical testing. Allele origin: germline. Affected: yes.
Comment: Common variant identified especially in individuals of Northern European descent (Lek et al., 2016); Published functional studies demonstrate that G113C completely abolishes cross-linking activity of the enzyme in transfected epithelial cell lines (Cassidy et al., 2005; van der Velden et al., 2015); This variant is associated with the following publications: (PMID: 16380904, 24019772, 27206604, 26707537, 30688214, 31028847, 20301543, 20220177, 19440220, 22622422, 25510201, 26684698, 22429841, 24628291, 29242947, 31001817, 31980526, 25644735, 20164844, 31589614)

Illumina Laboratory Services, Illumina
Classification: Pathogenic for Acral peeling skin syndrome. Last evaluated: 2017-10-18. Review status: criteria provided, single submitter. Criteria: ICSL Variant Classification Criteria 09 May 2019. Collection method: clinical testing. Allele origin: germline.
Comment: Across a selection of the available literature, the TGM5 c.337G>T (p.Gly113Cys) missense variant, which is a founder variant in the European population, was reported in at least 97 patients, including in a homozygous state in at least 91 patients with peeling skin syndrome, in a compound heterozygous state in at least six patients, and in a heterozygous state in six unaffected parents of patients (Cassidy et al. 2005; Kiritsi et al. 2010; van der Velden et al. 2012; Pigors et al. 2012; Kavaklieva et al. 2013; Szczecinska et al. 2014; KopeÄkovÃ¡ et al. 2016). The variant was identified in a heterozygous state in four out of 250 controls and is reported at a frequency of 0.00454 in the European American population of the Exome Sequencing Project. This frequency is higher than expected based on disease prevalence estimates, but may be consistent with under-diagnosis and with the fact that this is a common founder variant. Cassidy et al. (2005) measured enzyme activity for the p.Gly113Cys variant in two different epithelial cell lines and demonstrated that the variant completely abolished activity. Based on the collective evidence, the p.Gly113Cys variant is classified as pathogenic for peeling skin syndrome. This variant was observed by ICSL as part of a predisposition screen in an ostensibly healthy population.

Ambry Genetics
Classification: Pathogenic for Inborn genetic diseases. Last evaluated: 2016-10-03. Review status: criteria provided, single submitter. Criteria: Ambry exome assertion method (8-5-2015). Collection method: clinical testing. Allele origin: germline. Affected: yes. Observed: 1 variant allele.

OMIM
Classification: Pathogenic for PEELING SKIN SYNDROME 2. Last evaluated: 2012-10-01. Review status: no assertion criteria provided. Collection method: literature only. Allele origin: germline. Not counted in ClinVar's aggregate classification.

GeneReviews
No classification provided. Condition: Acral peeling skin syndrome. Review status: no classification provided. Collection method: literature only. Allele origin: germline. Affected: yes. Not counted in ClinVar's aggregate classification.

Centre for Medical Genetics,  Mumbai
Classification: Likely benign for Acral peeling skin syndrome. Last evaluated: 2026-04-15. Review status: flagged submission. Criteria: ACMG Guidelines, 2015. Collection method: provider interpretation. Allele origin: germline. Inheritance: Autosomal recessive inheritance. Affected: no. Observed: 1 variant allele, 1 heterozygote. Not counted in ClinVar's aggregate classification.
Comment: The variant satisfies PM2 criteria - extremely low frequency in gnomAD population databases. The variant satisfies PP3 criteria - for a missense or a splicing region variant, computational prediction tools unanimously support a deleterious effect on the gene. The variant satisfies PP5 criteria - reputable source recently reports variant as pathogenic, but the evidence is not available to the laboratory to perform an independent evaluation. However, the variant satisfies BS2 criteria - present in homozygous state in gnomAD in ten individuals.
ClinVar note: Reason: Outlier claim with insufficient supporting evidence

Literature cited by the submitters: PubMed 16380904 (cited by 7 submitters); PubMed 20164844 (cited by 4 submitters); PubMed 22622422 (cited by 4 submitters); PubMed 24019772 (cited by 3 submitters); PubMed 25644735 (cited by Dasa); PubMed 29242947 (cited by Dasa and Victorian Clinical Genetics Services, Murdoch Childrens Research Institute); PubMed 24628291 (cited by 3 submitters); PubMed 22036214 (cited by Illumina Laboratory Services, Illumina and OMIM); PubMed 26707537 (cited by Illumina Laboratory Services, Illumina); PubMed 19440220 (cited by OMIM); NCBI Bookshelf NBK1369 (cited by GeneReviews).